The following is an entry in ClinVar:

ClinVar aggregate classification (germline): Uncertain significance (1 of 4 stars; one submission).

gnomAD v4.1: 5 of 1,601,490 alleles (0.00031%); highest among the groups gnomAD compares: Non-Finnish European, 0.00043%; no homozygotes.

Submission:

Dasa
Classification: Uncertain significance. Last evaluated: 2025-06-27. Review status: criteria provided, single submitter. Criteria: DASA Assertion Criteria. Collection method: clinical testing. Allele origin: germline.
Comment: NM_020066.5(FMN2):c.1987-8C>T is a splice-region variant. This variant is rare in population databases. Computational prediction algorithms are consistent with a benign effect. The currently available literature and clinical evidence are not sufficient to establish a definitive association between this variant and the reported condition. Therefore, this variant is classified as a variant of uncertain significance.

NM_020066.5(FMN2):c.1987-8C>T

Gene: FMN2 (formin 2; plus strand). Cytogenetic location: 1q43.
Variant type: single nucleotide variant.
Coding change: c.1987-8C>T on transcript NM_020066.5 (MANE Select); 8 bases into the intron before coding-DNA position 1987, C replaced by T.
Molecular consequence: intron variant.
Genome position (GRCh38, 1-based): chr1:240,206,791, C>T. VCF-style: chr1-240206791-C-T. GRCh37 (hg19) VCF-style: chr1-240370091-C-T.
Other names: c.1999-8C>T (NM_001305424.2); c.1986+18529C>T (NM_001348094.2).
Identifiers: ClinVar variation 4881712 (VCV004881712.2).